The following is an entry in ClinVar:

ClinVar aggregate classification (germline): Uncertain significance (1 of 4 stars; one submission).

Conditions:
Congenital factor V deficiency. Also called: Hereditary factor V deficiency disease; LABILE FACTOR DEFICIENCY; OWREN PARAHEMOPHILIA; PARAHEMOPHILIA. Identifiers: Orphanet 326, MedGen C0015499, MONDO:0009210, OMIM 227400.

gnomAD v4.1: 6 of 1,614,026 alleles (0.00037%); highest among the groups gnomAD compares: Non-Finnish European, 0.00051%; no homozygotes.

Submission:

Labcorp Genetics (formerly Invitae), Labcorp
Classification: Uncertain significance for Congenital factor V deficiency. Last evaluated: 2024-07-04. Review status: criteria provided, single submitter. Criteria: Invitae Variant Classification Sherloc (09022015). Collection method: clinical testing. Allele origin: germline.
Comment: This sequence change replaces valine, which is neutral and non-polar, with glycine, which is neutral and non-polar, at codon 1121 of the F5 protein (p.Val1121Gly). This variant is not present in population databases (gnomAD no frequency). This variant has not been reported in the literature in individuals affected with F5-related conditions. Advanced modeling of protein sequence and biophysical properties (such as structural, functional, and spatial information, amino acid conservation, physicochemical variation, residue mobility, and thermodynamic stability) performed at Invitae indicates that this missense variant is not expected to disrupt F5 protein function with a negative predictive value of 80%. In summary, the available evidence is currently insufficient to determine the role of this variant in disease. Therefore, it has been classified as a Variant of Uncertain Significance.

NM_000130.5(F5):c.3362T>G (p.Val1121Gly)

Gene: F5 (coagulation factor V; minus strand). Cytogenetic location: 1q24.2.
Variant type: single nucleotide variant.
Coding change: c.3362T>G on transcript NM_000130.5 (MANE Select); coding-DNA position 3362, T replaced by G.
Protein change: p.Val1121Gly; replaces valine 1121 with glycine.
Molecular consequence: missense variant.
Genome position (GRCh38, 1-based): chr1:169,541,728, A>C on the plus strand (T>G on the coding strand, the complement: F5 is on the minus strand). VCF-style: chr1-169541728-A-C. GRCh37 (hg19) VCF-style: chr1-169510966-A-C.
Other names: short protein forms V1121G.
Identifiers: ClinVar variation 3717715 (VCV003717715.2).